The following is an entry in ClinVar:

ClinVar aggregate classification (germline): Uncertain significance. Review status: criteria provided, multiple submitters, no conflicts (2 of 4 stars). 2 submissions from 2 submitters: Uncertain significance (2). Last evaluated 2019-02-05.

Conditions:
Hypertrophic cardiomyopathy 12. Identifiers: MedGen C2677491, MONDO:0012804, OMIM 612124.
Dilated cardiomyopathy 1M (CMD1M). Identifiers: Orphanet 154, MedGen C1843808, MONDO:0011840, OMIM 607482.
Cardiomyopathy (CMYO). Also called: Cardiomyopathies. Identifiers: Orphanet 167848, MedGen C0878544, MONDO:0004994, HP:0001638. Inheritance: Various modes of inheritance.

Allele frequency attached by ClinVar (database versions not stated): gnomAD exomes below 0.00001.
gnomAD v4.1: 1 of 1,614,110 alleles (0.000062%); highest among the groups gnomAD compares: South Asian, 0.0011%; no homozygotes.

Submissions (2):

Labcorp Genetics (formerly Invitae), Labcorp
Classification: Uncertain significance for Hypertrophic cardiomyopathy 12; Dilated cardiomyopathy 1M. Last evaluated: 2019-02-05. Review status: criteria provided, single submitter. Criteria: Invitae Variant Classification Sherloc (09022015). Collection method: clinical testing. Allele origin: germline.
Comment: This variant has not been reported in the literature in individuals with CSRP3-related conditions. This variant is not present in population databases (ExAC no frequency). This sequence change replaces glycine with glutamic acid at codon 6 of the CSRP3 protein (p.Gly6Glu). The glycine residue is highly conserved and there is a moderate physicochemical difference between glycine and glutamic acid. Algorithms developed to predict the effect of missense changes on protein structure and function are either unavailable or do not agree on the potential impact of this missense change (SIFT: "Tolerated"; PolyPhen-2: "Probably Damaging"; Align-GVGD: "Class C0"). In summary, the available evidence is currently insufficient to determine the role of this variant in disease. Therefore, it has been classified as a Variant of Uncertain Significance.

CHEO Genetics Diagnostic Laboratory, Children's Hospital of Eastern Ontario
Classification: Uncertain significance for Cardiomyopathy. Last evaluated: 2018-03-13. Review status: criteria provided, single submitter. Criteria: ACMG Guidelines, 2015. Collection method: clinical testing. Allele origin: germline.

NM_003476.5(CSRP3):c.17G>A (p.Gly6Glu)

Gene: CSRP3 (cysteine and glycine rich protein 3; minus strand). Cytogenetic location: 11p15.1.
Variant type: single nucleotide variant.
Coding change: c.17G>A on transcript NM_003476.5 (MANE Select); coding-DNA position 17, G replaced by A.
Protein change: p.Gly6Glu; replaces glycine 6 with glutamic acid.
Molecular consequence: missense variant.
Genome position (GRCh38, 1-based): chr11:19,192,432, C>T on the plus strand (G>A on the coding strand, the complement: CSRP3 is on the minus strand). VCF-style: chr11-19192432-C-T. GRCh37 (hg19) VCF-style: chr11-19213979-C-T.
Other names: c.17G>A, p.Gly6Glu (NM_001369404.1); short protein forms G6E.
Identifiers: ClinVar variation 859311 (VCV000859311.11), dbSNP rs1431565691, ClinGen allele CA379888675.